The following is an entry in ClinVar:

ClinVar aggregate classification (germline): Conflicting classifications of pathogenicity. Review status: criteria provided, conflicting classifications (1 of 4 stars). 3 submissions from 3 submitters: Uncertain significance (2); Likely benign (1). Last evaluated 2024-06-04.

Conditions:
Inborn genetic diseases. Identifiers: MedGen C0950123, MeSH D030342.
KMT2E-related disorder. Also called: KMT2E-related condition.

Allele frequency attached by ClinVar (database versions not stated): TOPMed 0.00002.

Submissions (3):

Labcorp Genetics (formerly Invitae), Labcorp
Classification: Likely benign. Last evaluated: 2024-06-04. Review status: criteria provided, single submitter. Criteria: Invitae Variant Classification Sherloc (09022015). Collection method: clinical testing. Allele origin: germline.

Ambry Genetics
Classification: Uncertain significance for Inborn genetic diseases. Last evaluated: 2024-01-23. Review status: criteria provided, single submitter. Criteria: Ambry Variant Classification Scheme 2023. Collection method: clinical testing. Allele origin: germline.
Comment: The c.5555dupA (p.Y1852*) alteration, located in exon 27 (coding exon 25) of the KMT2E gene, consists of a duplication of A at position 5555, causing a translational frameshift with a predicted alternate stop codon after amino acids. This alteration occurs at the 3' terminus of the KMT2E gene, is not expected to trigger nonsense-mediated mRNA decay, and only impacts the last seven amino acids of the protein. The exact functional effect of this alteration is unknown. This variant was not reported in population-based cohorts in the Genome Aggregation Database (gnomAD). Based on insufficient or conflicting evidence, the clinical significance of this alteration remains unclear.

PreventionGenetics, part of Exact Sciences
Classification: Uncertain significance for KMT2E-related condition. Last evaluated: 2023-07-22. Review status: criteria provided, single submitter. Criteria: ACMG Guidelines, 2015. Collection method: clinical testing. Allele origin: germline.
Comment: The KMT2E c.5555dupA variant is predicted to result in premature protein termination (p.Tyr1852*). This variant is located in the terminal exon and may not undergo nonsense-mediated mRNA decay. To our knowledge, this variant has not been reported in the literature or in a large population database, indicating this variant is rare. Although we suspect that this variant may be pathogenic, at this time, the clinical significance of this variant is uncertain due to the absence of conclusive functional and genetic evidence.

NM_182931.3(KMT2E):c.5555dup (p.Tyr1852Ter)

Gene: KMT2E (lysine methyltransferase 2E (inactive); plus strand). Cytogenetic location: 7q22.3.
Variant type: Duplication.
Coding change: c.5555dup on transcript NM_182931.3 (MANE Select); coding-DNA position 5555, one base duplicated (A; older notation c.5555dupA).
Protein change: p.Tyr1852Ter; replaces tyrosine 1852 with a stop codon.
Molecular consequence: nonsense. On other transcripts: frameshift variant (1).
Genome position (GRCh38, 1-based): chr7:105,113,311, A duplicated. VCF-style (leftmost placement, unchanged base first): chr7-105113310-T-TA. GRCh37 (hg19) VCF-style: chr7-104753757-T-TA.
Other names: c.5555dupA (NM_182931.2); c.5429dup, p.Tyr1810Terfs (NM_001410908.1); c.5555dup, p.Tyr1852Ter (NM_018682.4); short protein forms Y1852*.
Identifiers: ClinVar variation 2024294 (VCV002024294.6), dbSNP rs1799414845, ClinGen allele CA1731525992.
Genomic context (GRCh38, chr7:105,113,310, plus strand): 5'-CCAGTGCCTGGACAGATTCCAATTCACAGAGCACAGGTGCCACCAACATTTCAAAACAAT[T>TA]ACCATGGGTCAGGGTGGCATTAAAATGGACTCCAAAAACATTTTTTTAAATGTTCTGTAA-3'